The following is an entry in ClinVar:

NM_000038.6(APC):c.3314G>C (p.Arg1105Pro)

Gene: APC (APC regulator of Wnt signaling pathway; plus strand). Cytogenetic location: 5q22.2.
Variant type: single nucleotide variant.
Coding change: c.3314G>C on transcript NM_000038.6 (MANE Select); coding-DNA position 3314, G replaced by C.
Protein change: p.Arg1105Pro; replaces arginine 1105 with proline.
Molecular consequence: missense variant.
Genome position (GRCh38, 1-based): chr5:112,838,908, G>C. VCF-style: chr5-112838908-G-C. GRCh37 (hg19) VCF-style: chr5-112174605-G-C.
Other names: c.3314G>C, p.Arg1105Pro (NM_001127510.3, NM_001354895.2); c.3260G>C, p.Arg1087Pro (NM_001127511.3); c.3368G>C, p.Arg1123Pro (NM_001354896.2); c.3344G>C, p.Arg1115Pro (NM_001354897.2); c.3239G>C, p.Arg1080Pro (NM_001354898.2); c.3230G>C, p.Arg1077Pro (NM_001354899.2); c.3191G>C, p.Arg1064Pro (NM_001354900.2); c.3137G>C, p.Arg1046Pro (NM_001354901.2); and 5 more; short protein forms R1087P, R1105P, R1080P, R822P, R979P, R1046P, R1077P, R1115P.
Identifiers: ClinVar variation 485154 (VCV000485154.21), dbSNP rs548176472, ClinGen allele CA16028604.

ClinVar aggregate classification (germline): Conflicting classifications of pathogenicity. Review status: criteria provided, conflicting classifications (1 of 4 stars). 5 submissions from 5 submitters: Uncertain significance (4); Likely benign (1). Last evaluated 2026-04-29.

Conditions:
Hereditary cancer-predisposing syndrome. Also called: Tumor predisposition; Hereditary neoplastic syndrome; Neoplastic Syndromes, Hereditary; Hereditary Cancer Syndrome. Identifiers: Orphanet 140162, MedGen C0027672, MeSH D009386, MONDO:0015356.
Familial adenomatous polyposis 1 (FAP1). Also called: POLYPOSIS, ADENOMATOUS INTESTINAL; FAMILIAL ADENOMATOUS POLYPOSIS 1, ATTENUATED. Identifiers: MedGen C2713442, MONDO:0021056, OMIM 175100. Disease mechanism: loss of function.

gnomAD v4.1: 2 of 1,613,936 alleles (0.00012%); highest among the groups gnomAD compares: African/African-American, 0.0013%; no homozygotes.

Submissions (5):

Ambry Genetics
Classification: Likely benign for Hereditary cancer-predisposing syndrome. Last evaluated: 2026-04-29. Review status: criteria provided, single submitter. Criteria: Ambry Variant Classification Scheme 2023. Collection method: clinical testing. Allele origin: germline.

Labcorp Genetics (formerly Invitae), Labcorp
Classification: Uncertain significance for Familial adenomatous polyposis 1. Last evaluated: 2025-10-13. Review status: criteria provided, single submitter. Criteria: Invitae Variant Classification Sherloc (09022015). Collection method: clinical testing. Allele origin: germline.
Comment: This sequence change replaces arginine, which is basic and polar, with proline, which is neutral and non-polar, at codon 1105 of the APC protein (p.Arg1105Pro). This variant is not present in population databases (gnomAD no frequency). This variant has not been reported in the literature in individuals affected with APC-related conditions. ClinVar contains an entry for this variant (Variation ID: 485154). Invitae Evidence Modeling of protein sequence and biophysical properties (such as structural, functional, and spatial information, amino acid conservation, physicochemical variation, residue mobility, and thermodynamic stability) indicates that this missense variant is not expected to disrupt APC protein function with a negative predictive value of 95%. In summary, the available evidence is currently insufficient to determine the role of this variant in disease. Therefore, it has been classified as a Variant of Uncertain Significance.

Color Diagnostics, LLC DBA Color Health
Classification: Uncertain significance for Hereditary cancer-predisposing syndrome. Last evaluated: 2025-07-23. Review status: criteria provided, single submitter. Criteria: ACMG Guidelines, 2015. Collection method: clinical testing. Allele origin: germline.
Comment: This missense variant replaces arginine with proline at codon 1105 of the APC protein. Computational prediction is inconclusive regarding the impact of this variant on protein structure and function. To our knowledge, functional studies have not been reported for this variant. This variant has not been reported in individuals affected with APC-related disorders in the literature. This variant has not been identified in the general population by the Genome Aggregation Database (gnomAD). The available evidence is insufficient to determine the role of this variant in disease conclusively. Therefore, this variant is classified as a Variant of Uncertain Significance.

Baylor Genetics
Classification: Uncertain significance for Familial adenomatous polyposis 1. Last evaluated: 2024-02-02. Review status: criteria provided, single submitter. Criteria: ACMG Guidelines, 2015. Collection method: clinical testing. Allele origin: unknown.

GeneDx
Classification: Uncertain significance. Last evaluated: 2022-12-28. Review status: criteria provided, single submitter. Criteria: GeneDx Variant Classification Process June 2021. Collection method: clinical testing. Allele origin: germline. Affected: yes.
Comment: Not observed at significant frequency in large population cohorts (gnomAD); In silico analysis supports that this missense variant does not alter protein structure/function; Has not been previously published as pathogenic or benign to our knowledge; This variant is associated with the following publications: (PMID: 18199528, 32686686, 26689913, 25326804, 32091409)